The following is an entry in ClinVar:

NM_001961.4(EEF2):c.2496C>T (p.Ser832=)

Gene: EEF2 (eukaryotic translation elongation factor 2; minus strand). Cytogenetic location: 19p13.3.
Variant type: single nucleotide variant.
Coding change: c.2496C>T on transcript NM_001961.4 (MANE Select); coding-DNA position 2496, C replaced by T.
Protein change: p.Ser832=; no amino-acid change (serine 832 retained).
Molecular consequence: synonymous variant.
Genome position (GRCh38, 1-based): chr19:3,976,635, G>A on the plus strand (C>T on the coding strand, the complement: EEF2 is on the minus strand). VCF-style: chr19-3976635-G-A. GRCh37 (hg19) VCF-style: chr19-3976633-G-A.
Identifiers: ClinVar variation 712228 (VCV000712228.10), dbSNP rs147759681, ClinGen allele CA9088507.

ClinVar aggregate classification (germline): Benign/Likely benign. Review status: criteria provided, multiple submitters, no conflicts (2 of 4 stars). 4 submissions from 4 submitters: Benign (1); Likely benign (2). 1 of the submissions does not count toward it. Last evaluated 2023-05-30.

Conditions:
EEF2-related disorder. Also called: EEF2-related condition.

Allele frequency attached by ClinVar (database versions not stated): gnomAD 0.00053 and 0.00048; gnomAD exomes 0.00013; 1000 Genomes Project 30x 0.00031; TOPMed 0.00062; 1000 Genomes Project 0.00020; ExAC 0.00024; ESP Exome Variant Server 0.00077.
gnomAD v4.1: 140 of 1,609,890 alleles (0.0087%); highest among the groups gnomAD compares: African/African-American, 0.16%; no homozygotes.

Submissions (4):

Labcorp Genetics (formerly Invitae), Labcorp
Classification: Likely benign. Last evaluated: 2023-05-30. Review status: criteria provided, single submitter. Criteria: Invitae Variant Classification Sherloc (09022015). Collection method: clinical testing. Allele origin: germline.

Athena Diagnostics
Classification: Benign. Last evaluated: 2019-05-10. Review status: criteria provided, single submitter. Criteria: Athena Diagnostics Criteria. Collection method: clinical testing. Allele origin: germline.

Breakthrough Genomics
Classification: Likely benign. Review status: criteria provided, single submitter. Criteria: ACMG Guidelines, 2015. Collection method: not provided. Allele origin: germline. Inheritance: Autosomal dominant inheritance. Affected: yes.

PreventionGenetics, part of Exact Sciences
Classification: Likely benign for EEF2-related condition. Last evaluated: 2019-10-28. Review status: no assertion criteria provided. Collection method: clinical testing. Allele origin: germline. Not counted in ClinVar's aggregate classification.
Comment: This variant is classified as likely benign based on ACMG/AMP sequence variant interpretation guidelines (Richards et al. 2015 PMID: 25741868, with internal and published modifications).